The following is an entry in ClinVar:

NM_001114753.3(ENG):c.1394dup (p.Asn465fs)

Genes: ENG (endoglin; minus strand), LOC102723566 (uncharacterized LOC102723566; plus strand). Cytogenetic location: 9q34.11.
Variant type: Duplication.
Coding change: c.1394dup on transcript NM_001114753.3 (MANE Select); coding-DNA position 1394, one base duplicated (A; older notation c.1394dupA).
Protein change: p.Asn465fs; shifts the reading frame from asparagine 465.
Molecular consequence: frameshift variant.
Genome position (GRCh38, 1-based): chr9:127,818,750, T duplicated on the plus strand (A on the coding strand, the reverse complement: ENG is on the minus strand); the first of 2 consecutive T bases (chr9:127,818,750-127,818,751); duplicating either gives the same sequence. VCF-style (leftmost placement, unchanged base first): chr9-127818749-G-GT. GRCh37 (hg19) VCF-style: chr9-130581028-G-GT.
Other names: c.1394dupA (NM_000118.3); c.1393dup, p.Asn465Lysfs (NM_000118.4); c.848dup, p.Asn283fs (NM_001278138.2); short protein forms N283fs, N465fs.
Identifiers: ClinVar variation 528070 (VCV000528070.11), dbSNP rs1554809348, ClinGen allele CA658797290.

ClinVar aggregate classification (germline): Pathogenic (1 of 4 stars; one submission).

Conditions:
Hereditary hemorrhagic telangiectasia (HHT). Also called: Osler hemorrhagic telangiectasia syndrome; ORW DISEASE; Osler Weber Rendu syndrome; OSLER-RENDU-WEBER DISEASE. Identifiers: Orphanet 774, MedGen C0039445, MONDO:0019180. Disease mechanism: loss of function.

Submission:

Labcorp Genetics (formerly Invitae), Labcorp
Classification: Pathogenic for Hereditary hemorrhagic telangiectasia. Last evaluated: 2018-03-07. Review status: criteria provided, single submitter. Criteria: Invitae Variant Classification Sherloc (09022015). Collection method: clinical testing. Allele origin: germline.
Comment: For these reasons, this variant has been classified as Pathogenic. Loss-of-function variants in ENG are known to be pathogenic (PMID: 15879500, 20656886, 22385575). This variant has not been reported in the literature in individuals with ENG-related disease. This variant is not present in population databases (ExAC no frequency). This sequence change creates a premature translational stop signal (p.Asn465Lysfs*36) in the ENG gene. It is expected to result in an absent or disrupted protein product.

Literature cited by the submitters: PubMed 15879500; PubMed 20656886; PubMed 22385575.